The following is an entry in ClinVar:

NM_014633.5(CTR9):c.3346G>C (p.Val1116Leu)

Gene: CTR9 (CTR9 component of Paf1/RNA polymerase II complex; plus strand). Cytogenetic location: 11p15.4.
Variant type: single nucleotide variant.
Coding change: c.3346G>C on transcript NM_014633.5 (MANE Select); coding-DNA position 3346, G replaced by C.
Protein change: p.Val1116Leu; replaces valine 1116 with leucine.
Molecular consequence: missense variant.
Genome position (GRCh38, 1-based): chr11:10,778,929, G>C. VCF-style: chr11-10778929-G-C. GRCh37 (hg19) VCF-style: chr11-10800476-G-C.
Other names: c.3274G>C, p.Val1092Leu (NM_001346279.2); short protein forms V1092L, V1116L.
Identifiers: ClinVar variation 3627616 (VCV003627616.2).

ClinVar aggregate classification (germline): Uncertain significance (1 of 4 stars; one submission).

gnomAD v4.1: 7 of 1,613,992 alleles (0.00043%); highest among the groups gnomAD compares: East Asian, 0.0022%; no homozygotes.

Submission:

Labcorp Genetics (formerly Invitae), Labcorp
Classification: Uncertain significance. Last evaluated: 2025-05-19. Review status: criteria provided, single submitter. Criteria: Invitae Variant Classification Sherloc (09022015). Collection method: clinical testing. Allele origin: germline.
Comment: This sequence change replaces valine, which is neutral and non-polar, with leucine, which is neutral and non-polar, at codon 1116 of the CTR9 protein (p.Val1116Leu). This variant is not present in population databases (gnomAD no frequency). This variant has not been reported in the literature in individuals affected with CTR9-related conditions. ClinVar contains an entry for this variant (Variation ID: 3627616). An algorithm developed to predict the effect of missense changes on protein structure and function (PolyPhen-2) suggests that this variant is likely to be tolerated. In summary, the available evidence is currently insufficient to determine the role of this variant in disease. Therefore, it has been classified as a Variant of Uncertain Significance.